The following is an entry in ClinVar:

ClinVar aggregate classification (germline): Uncertain significance. Review status: criteria provided, multiple submitters, no conflicts (2 of 4 stars). 3 submissions from 3 submitters: Uncertain significance (3). Last evaluated 2025-12-17.

Conditions:
Hereditary cancer-predisposing syndrome. Also called: Hereditary neoplastic syndrome; Hereditary Cancer Syndrome; Neoplastic Syndromes, Hereditary; Tumor predisposition. Identifiers: Orphanet 140162, MedGen C0027672, MeSH D009386, MONDO:0015356.
Familial adenomatous polyposis 1 (FAP1). Also called: FAMILIAL ADENOMATOUS POLYPOSIS 1, ATTENUATED; POLYPOSIS, ADENOMATOUS INTESTINAL. Identifiers: MedGen C2713442, MONDO:0021056, OMIM 175100. Disease mechanism: loss of function.

Allele frequency attached by ClinVar (database versions not stated): TOPMed below 0.00001.

Submissions (3):

Labcorp Genetics (formerly Invitae), Labcorp
Classification: Uncertain significance for Familial adenomatous polyposis 1. Last evaluated: 2025-12-17. Review status: criteria provided, single submitter. Criteria: Invitae Variant Classification Sherloc (09022015). Collection method: clinical testing. Allele origin: germline.
Comment: This sequence change replaces alanine, which is neutral and non-polar, with proline, which is neutral and non-polar, at codon 272 of the APC protein (p.Ala272Pro). This variant is not present in population databases (gnomAD no frequency). This variant has not been reported in the literature in individuals affected with APC-related conditions. ClinVar contains an entry for this variant (Variation ID: 236652). Invitae Evidence Modeling of protein sequence and biophysical properties (such as structural, functional, and spatial information, amino acid conservation, physicochemical variation, residue mobility, and thermodynamic stability) indicates that this missense variant is not expected to disrupt APC protein function with a negative predictive value of 95%. In summary, the available evidence is currently insufficient to determine the role of this variant in disease. Therefore, it has been classified as a Variant of Uncertain Significance.

Color Diagnostics, LLC DBA Color Health
Classification: Uncertain significance for Hereditary cancer-predisposing syndrome. Last evaluated: 2023-01-23. Review status: criteria provided, single submitter. Criteria: ACMG Guidelines, 2015. Collection method: clinical testing. Allele origin: germline.
Comment: This missense variant replaces alanine with proline at codon 272 of the APC protein. Computational prediction is inconclusive regarding the impact of this variant on protein structure and function (internally defined REVEL score threshold 0.5 < inconclusive < 0.7, PMID: 27666373). To our knowledge, functional studies have not been reported for this variant. This variant has been reported in individuals affected with colorectal cancer in the literature (PMID: 28944238). This variant has not been identified in the general population by the Genome Aggregation Database (gnomAD). The available evidence is insufficient to determine the role of this variant in disease conclusively. Therefore, this variant is classified as a Variant of Uncertain Significance.

Ambry Genetics
Classification: Uncertain significance for Hereditary cancer-predisposing syndrome. Last evaluated: 2020-12-23. Review status: criteria provided, single submitter. Criteria: Ambry Variant Classification Scheme 2023. Collection method: clinical testing. Allele origin: germline.
Comment: The p.A272P variant (also known as c.814G>C), located in coding exon 7 of the APC gene, results from a G to C substitution at nucleotide position 814. The alanine at codon 272 is replaced by proline, an amino acid with highly similar properties. This amino acid position is highly conserved in available vertebrate species. In addition, in silico predictors for this gene do not accurately predict pathogenicity. Since supporting evidence is limited at this time, the clinical significance of this alteration remains unclear.

Literature cited by the submitters: PubMed 28944238 (cited by Color Diagnostics, LLC DBA Color Health).

NM_000038.6(APC):c.814G>C (p.Ala272Pro)

Gene: APC (APC regulator of Wnt signaling pathway; plus strand). Cytogenetic location: 5q22.2.
Variant type: single nucleotide variant.
Coding change: c.814G>C on transcript NM_000038.6 (MANE Select); coding-DNA position 814, G replaced by C.
Protein change: p.Ala272Pro; replaces alanine 272 with proline.
Molecular consequence: missense variant. On other transcripts: 5 prime UTR variant (1).
Genome position (GRCh38, 1-based): chr5:112,801,363, G>C. VCF-style: chr5-112801363-G-C. GRCh37 (hg19) VCF-style: chr5-112137060-G-C.
Other names: c.814G>C, p.Ala272Pro (NM_001127510.3, NM_001354895.2, NM_001354896.2 and 1 more transcripts); c.760G>C, p.Ala254Pro (NM_001127511.3); c.844G>C, p.Ala282Pro (NM_001354897.2, NM_001354902.2); c.739G>C, p.Ala247Pro (NM_001354898.2, NM_001354904.2); c.730G>C, p.Ala244Pro (NM_001354899.2); c.637G>C, p.Ala213Pro (NM_001354900.2, NM_001354901.2, NM_001354905.2); c.-222G>C (NM_001354906.2); short protein forms A254P, A272P, A247P, A213P, A244P, A282P.
Identifiers: ClinVar variation 236652 (VCV000236652.14), dbSNP rs878853473, ClinGen allele CA10582282.
Genomic context (GRCh38, chr5:112,801,363, plus strand): 5'-ACCGGCTCACATGATGCTGAGCGGCAGAATGAAGGTCAAGGAGTGGGAGAAATCAACATG[G>C]CAACTTCTGGTAATGGTCAGGTAAATAAATTATTTTATCATATTTTTTAAAATTATTTAA-3'
Protein context (NP_000029.2, residues 262-282): EGQGVGEINM[Ala272Pro]TSGNGQGSTT